The following is an entry in ClinVar:

ClinVar aggregate classification (germline): Likely pathogenic. Review status: criteria provided, single submitter (1 of 4 stars). 2 submissions from 2 submitters: Likely pathogenic (1). 1 of the submissions does not count toward it.

Conditions:
Combined deficiency of sialidase AND beta galactosidase (GSL). Also called: Galactosialidosis; NEURAMINIDASE DEFICIENCY WITH BETA-GALACTOSIDASE DEFICIENCY; NEURAMINIDASE/BETA-GALACTOSIDASE EXPRESSION; PPCA DEFICIENCY; PROTECTIVE PROTEIN/CATHEPSIN A DEFICIENCY; CATHEPSIN A DEFICIENCY. Identifiers: Orphanet 351, MedGen C0268233, MONDO:0009737, OMIM 256540.

Submissions (2):

Molecular Genetics Department, Kulakov National Medical Research Center for Obstetrics, Gynecology and Perinatology
Classification: Likely pathogenic for Combined deficiency of sialidase AND beta galactosidase. Review status: criteria provided, single submitter. Criteria: ACMG Guidelines, 2015. Collection method: clinical testing. Allele origin: paternal. Affected: yes.
Comment: A previously undescribed nucleotide variant creates a missense p.Ser90Leu in the CTSA gene. Homozygous and compound heterozygous variants are reported in patients with Galactosialidosis, 256540. Another nucleotide variant causing same missense (c.268_269TC>CT) was previously reported in compound heterozygous state in patient with galactosialidosis [Shimmoto et al., 1993, PMID: 8514852]. Pathogenicity prediction algorithms qualify it as pathogenic (PolyPhen-2: 1.0; Sift: 0.0). The variant is not present in population database (gnomAD no frequency). In summary, the currently available evidence indicates that the variant is pathogenic, but additional data are needed to prove that conclusively. Therefore, this variant has been classified as likely pathogenic.

OMIM
Classification: Pathogenic for GALACTOSIALIDOSIS. Last evaluated: 1993-06-01. Review status: no assertion criteria provided. Collection method: literature only. Allele origin: germline. Not counted in ClinVar's aggregate classification.

Literature cited by the submitters: PubMed 8514852 (cited by OMIM).

NM_000308.4(CTSA):c.269C>T (p.Ser90Leu)

Gene: CTSA (cathepsin A; plus strand). Cytogenetic location: 20q13.12.
Variant type: single nucleotide variant.
Coding change: c.269C>T on transcript NM_000308.4 (MANE Select); coding-DNA position 269, C replaced by T.
Protein change: p.Ser90Leu; replaces serine 90 with leucine.
Molecular consequence: missense variant. On other transcripts: non-coding transcript variant (1).
Genome position (GRCh38, 1-based): chr20:45,891,990, C>T. VCF-style: chr20-45891990-C-T. GRCh37 (hg19) VCF-style: chr20-44520629-C-T.
Other names: c.269C>T, p.Ser90Leu (NM_001127695.3, NM_001167594.3); short protein forms S90L.
Identifiers: ClinVar variation 379 (VCV000000379.4), dbSNP rs137854542, ClinGen allele CA114210.